The following is an entry in ClinVar:

ClinVar aggregate classification (germline): Likely pathogenic (1 of 4 stars; one submission).

Conditions:
Transcobalamin II deficiency (TCN2D). Also called: Transcolabamin II deficiency; TC II DEFICIENCY; TCN2 DEFICIENCY. Identifiers: Orphanet 859, MedGen C0342701, MONDO:0010149, OMIM 275350.

Submission:

Breda Genetics srl
Classification: Likely pathogenic for Transcobalamin II deficiency. Last evaluated: 2019-11-12. Review status: criteria provided, single submitter. Criteria: ACMG Guidelines, 2015. Collection method: clinical testing. Allele origin: germline. Inheritance: Autosomal recessive inheritance. Affected: yes. Observed: 1 variant allele, 1 homozygote.
Comment: The variant creates a shift in the reading frame which is predicted to result in a premature stop codon 21 amino acids downstream, which is likely to result in a truncated protein or protein loss due to nonsense-mediated messenger decay (NMD). This variant has not been reported in dbSNP, gnomAD, 1000 Genomes, NHLI Exome Sequencing Project (ESP) or ClinVar.

NM_000355.4(TCN2):c.700del (p.Gln234fs)

Gene: TCN2 (transcobalamin 2; plus strand). Cytogenetic location: 22q12.2.
Variant type: Deletion.
Coding change: c.700del on transcript NM_000355.4 (MANE Select); coding-DNA position 700, one base deleted (C; older notation c.700delC).
Protein change: p.Gln234fs; shifts the reading frame from glutamine 234.
Molecular consequence: frameshift variant.
Genome position (GRCh38, 1-based): chr22:30,615,420, C deleted; the last of 3 consecutive C bases (chr22:30,615,418-30,615,420); deleting any one gives the same sequence. VCF-style (leftmost placement, unchanged base first): chr22-30615417-GC-G. GRCh37 (hg19) VCF-style: chr22-31011404-GC-G.
Other names: c.619del, p.Gln207fs (NM_001184726.2); short protein forms Q207fs, Q234fs.
Identifiers: ClinVar variation 869152 (VCV000869152.3), dbSNP rs2087597945, ClinGen allele CA916081242.